The following is an entry in ClinVar:

NM_173076.3(ABCA12):c.163T>G (p.Cys55Gly)

Gene: ABCA12 (ATP binding cassette subfamily A member 12; minus strand). Cytogenetic location: 2q35.
Variant type: single nucleotide variant.
Coding change: c.163T>G on transcript NM_173076.3 (MANE Select); coding-DNA position 163, T replaced by G.
Protein change: p.Cys55Gly; replaces cysteine 55 with glycine.
Molecular consequence: missense variant. On other transcripts: non-coding transcript variant (1).
Genome position (GRCh38, 1-based): chr2:215,111,597, A>C on the plus strand (T>G on the coding strand, the complement: ABCA12 is on the minus strand). VCF-style: chr2-215111597-A-C. GRCh37 (hg19) VCF-style: chr2-215976320-A-C.
Other names: short protein forms C55G.
Identifiers: ClinVar variation 4294533 (VCV004294533.1).

ClinVar aggregate classification (germline): Likely pathogenic (1 of 4 stars; one submission).

Conditions:
Autosomal recessive congenital ichthyosis 4A (LI2). Also called: ICHTHYOSIS CONGENITA IIB. Identifiers: Orphanet 313, MedGen C1832550, MONDO:0011026, OMIM 601277.
Autosomal recessive congenital ichthyosis 4B (ARCI4B). Also called: HARLEQUIN ICHTHYOSIS; ICHTHYOSIS CONGENITA, HARLEQUIN FETUS TYPE; Harlequin Fetus; Ichthyosis, congenital, autosomal recessive 4B (harlequin). Identifiers: Orphanet 457, MedGen C0598226, MONDO:0009443, OMIM 242500.

Submission:

Molecular Genetics Department, Kulakov National Medical Research Center for Obstetrics, Gynecology and Perinatology
Classification: Likely pathogenic for Autosomal recessive congenital ichthyosis 4B; Autosomal recessive congenital ichthyosis 4A. Review status: criteria provided, single submitter. Criteria: ACMG Guidelines, 2015. Collection method: clinical testing. Allele origin: germline. Affected: yes. Observed: 1 variant allele.
Comment: A previously undescribed hemizygous nucleotide variant creates a missense p.Cys55Gly in the ABCA12 gene. Homozygous and compound heterozygous variants are reported in patients with ichthyosis, congenital, autosomal recessive 4A, 601277; Ichthyosis, congenital, autosomal recessive 4B (harlequin), 242500. The variant is not present in population database (gnomAD no frequency). Pathogenicity prediction tools categorized the variant as pathogenic (SIFT, CADD) or benign (PolyPhen). In summary, the currently available evidence indicates that the variant is pathogenic, but additional data are needed to prove that conclusively. Therefore, this variant has been classified as likely pathogenic.